The following is an entry in ClinVar:

ClinVar aggregate classification (germline): Uncertain significance (0 of 4 stars; one submission).

Conditions:
Neurodevelopmental disorder with ataxic gait, absent speech, and decreased cortical white matter. Identifiers: MedGen C4540498, MONDO:0060624, OMIM 617807.

Submission:

Department of Traditional Chinese Medicine, Fujian Provincial Hospital
Classification: Uncertain significance for Neurodevelopmental disorder with ataxic gait, absent speech, and decreased cortical white matter. Review status: no assertion criteria provided. Collection method: research. Allele origin: unknown.

Literature cited by the submitters: DOI 10.1016/j.ajhg.2017.09.015.

NM_004218.4(RAB11B):c.43G>A (p.Val15Met)

Gene: RAB11B (RAB11B, member RAS oncogene family; plus strand). Cytogenetic location: 19p13.2.
Variant type: single nucleotide variant.
Coding change: c.43G>A on transcript NM_004218.4 (MANE Select); coding-DNA position 43, G replaced by A.
Protein change: p.Val15Met; replaces valine 15 with methionine.
Molecular consequence: missense variant.
Genome position (GRCh38, 1-based): chr19:8,399,865, G>A. VCF-style: chr19-8399865-G-A. GRCh37 (hg19) VCF-style: chr19-8464749-G-A.
Other names: short protein forms V15M.
Identifiers: ClinVar variation 3236551 (VCV003236551.1), dbSNP rs2512745075, ClinGen allele CA403709394.